The following is an entry in ClinVar:

ClinVar aggregate classification (germline): Uncertain significance (1 of 4 stars; one submission).

Conditions:
Early-infantile DEE. Also called: Ohtahara syndrome; Early infantile epileptic encephalopathy; Early infantile epileptic encephalopathy with suppression bursts. Identifiers: Orphanet 1934, MedGen C0393706, MONDO:0800491.

Submission:

Labcorp Genetics (formerly Invitae), Labcorp
Classification: Uncertain significance for Early-infantile DEE. Last evaluated: 2022-05-21. Review status: criteria provided, single submitter. Criteria: Invitae Variant Classification Sherloc (09022015). Collection method: clinical testing. Allele origin: germline.
Comment: In summary, the available evidence is currently insufficient to determine the role of this variant in disease. Therefore, it has been classified as a Variant of Uncertain Significance. Algorithms developed to predict the effect of missense changes on protein structure and function are either unavailable or do not agree on the potential impact of this missense change (SIFT: "Deleterious"; PolyPhen-2: "Benign"; Align-GVGD: "Class C0"). This variant has not been reported in the literature in individuals affected with CACNA2D2-related conditions. This variant is not present in population databases (gnomAD no frequency). This sequence change replaces valine, which is neutral and non-polar, with glycine, which is neutral and non-polar, at codon 131 of the CACNA2D2 protein (p.Val131Gly).

NM_006030.4(CACNA2D2):c.392T>G (p.Val131Gly)

Gene: CACNA2D2 (calcium voltage-gated channel auxiliary subunit alpha2delta 2; minus strand). Cytogenetic location: 3p21.31.
Variant type: single nucleotide variant.
Coding change: c.392T>G on transcript NM_006030.4 (MANE Select); coding-DNA position 392, T replaced by G.
Protein change: p.Val131Gly; replaces valine 131 with glycine.
Molecular consequence: missense variant.
Genome position (GRCh38, 1-based): chr3:50,434,326, A>C on the plus strand (T>G on the coding strand, the complement: CACNA2D2 is on the minus strand). VCF-style: chr3-50434326-A-C. GRCh37 (hg19) VCF-style: chr3-50471757-A-C.
Other names: c.392T>G, p.Val131Gly (NM_001005505.3, NM_001174051.3, NM_001410768.1); c.185T>G, p.Val62Gly (NM_001291101.1); short protein forms V131G, V62G.
Identifiers: ClinVar variation 1997431 (VCV001997431.4), dbSNP rs1575680028, ClinGen allele CA353001077.
Genomic context (GRCh38, chr3:50,434,326, plus strand): 5'-TGGCCCTCCCTCAGTGCCGCCCCCCTGCCCCCAAAACACACACCTACCTTCAGGGCCTGC[A>C]CCTTCCTGTCCAGAAGGCTCTCAATGTCCCCTGCCACCTTCTCCACCAACTTCTGAGGCT-3'
Protein context (NP_006021.2, residues 121-141): GDIESLLDRK[Val131Gly]QALKRLADAA